The following is an entry in ClinVar:

ClinVar aggregate classification (germline): Uncertain significance. Review status: criteria provided, multiple submitters, no conflicts (2 of 4 stars). 6 submissions from 5 submitters: Uncertain significance (4). 2 of the submissions do not count toward it. Last evaluated 2026-09-08.

Conditions:
Cardiovascular phenotype. Identifiers: MedGen CN230736.
Fabry disease. Also called: ALPHA-GALACTOSIDASE A DEFICIENCY; ANDERSON-FABRY DISEASE; CERAMIDE TRIHEXOSIDASE DEFICIENCY; Fabry's disease; Angiokeratoma corporis diffusum; Ceramide trihexosidosis. Identifiers: Orphanet 324, MedGen C0002986, MONDO:0010526, OMIM 301500, HP:0001071. Disease mechanism: loss of function, Fabry disease is due to inactivating mutations in the X-linked GLA gene resulting in deficiency of the enzyme Alpha Galactosidase-A..
Migalastat response. Also called: 1-Deoxygalactonojirimycin response; Galafold response. Identifiers: MedGen CN233149.

Submissions (6):

Genomenon, Inc
Classification: Uncertain significance for Fabry disease. Last evaluated: 2026-09-08. Review status: criteria provided, single submitter. Criteria: Genomenon Sequence Variant Interpretation Standards - Updated. Collection method: curation. Allele origin: germline. Affected: no.
Comment: GLA p.Val316Ala (c.947T>C) is a missense variant that changes the amino acid at codon 316 from Valine to Alanine. This variant has been reported in the published literature (PMID:26415523). It is absent or not present at a significant frequency in gnomAD. In silico models predict that this variant is possibly or probably damaging. In conclusion, we classify GLA p.Val316Ala (c.947T>C) as a variant of uncertain significance.

Labcorp Genetics (formerly Invitae), Labcorp
Classification: Uncertain significance for Fabry disease. Last evaluated: 2025-06-25. Review status: criteria provided, single submitter. Criteria: Invitae Variant Classification Sherloc (09022015). Collection method: clinical testing. Allele origin: germline.
Comment: This sequence change replaces valine, which is neutral and non-polar, with alanine, which is neutral and non-polar, at codon 316 of the GLA protein (p.Val316Ala). This variant is not present in population databases (gnomAD no frequency). This missense change has been observed in individual(s) with Fabry disease (PMID: 26415523). ClinVar contains an entry for this variant (Variation ID: 217404). Invitae Evidence Modeling of protein sequence and biophysical properties (such as structural, functional, and spatial information, amino acid conservation, physicochemical variation, residue mobility, and thermodynamic stability) indicates that this missense variant is not expected to disrupt GLA protein function with a negative predictive value of 80%. Experimental studies have shown that this missense change affects GLA function (PMID: 26415523). In summary, the available evidence is currently insufficient to determine the role of this variant in disease. Therefore, it has been classified as a Variant of Uncertain Significance.

Fulgent Genetics
Classification: Uncertain significance for Fabry disease. Last evaluated: 2022-01-03. Review status: criteria provided, single submitter. Criteria: ACMG Guidelines, 2015. Collection method: clinical testing. Allele origin: unknown.

Ambry Genetics
Classification: Uncertain significance for Cardiovascular phenotype. Last evaluated: 2021-12-20. Review status: criteria provided, single submitter. Criteria: Ambry Variant Classification Scheme 2023. Collection method: clinical testing. Allele origin: germline.
Comment: The p.V316A variant (also known as c.947T>C), located in coding exon 6 of the GLA gene, results from a T to C substitution at nucleotide position 947. The valine at codon 316 is replaced by alanine, an amino acid with similar properties. This alteration has been reported in Fabry disease cohorts (Lukas J et al. Hum Mutat, 2016 Jan;37:43-51; Wasserstein MP et al. Genet Med, 2019 03;21:631-640). This amino acid position is well conserved in available vertebrate species. In addition, the in silico prediction for this alteration is inconclusive. Since supporting evidence is limited at this time, the clinical significance of this alteration remains unclear.

Albrecht-Kossel-Institute, Medical University Rostock
Classification: Uncertain significance for Fabry's disease. Last evaluated: 2014-01-01. Review status: no assertion criteria provided. Collection method: research. Allele origin: inherited. Not counted in ClinVar's aggregate classification.

Albrecht-Kossel-Institute, Medical University Rostock
Classification: drug response for deoxygalactonojirimycin response. Last evaluated: 2014-01-01. Review status: no assertion criteria provided. Collection method: research. Allele origin: inherited. Not counted in ClinVar's aggregate classification.

Literature cited by the submitters: PubMed 26415523 (cited by 4 submitters); PubMed 30093709 (cited by Ambry Genetics); PubMed 30497360 (cited by Ambry Genetics).

NM_000169.3(GLA):c.947T>C (p.Val316Ala)

Genes: GLA (galactosidase alpha; minus strand), RPL36A-HNRNPH2 (RPL36A-HNRNPH2 readthrough; plus strand). Cytogenetic location: Xq22.1.
Variant type: single nucleotide variant.
Coding change: c.947T>C on transcript NM_000169.3 (MANE Select); coding-DNA position 947, T replaced by C.
Protein change: p.Val316Ala; replaces valine 316 with alanine.
Molecular consequence: missense variant. On other transcripts: non-coding transcript variant (3), intron variant (2).
Genome position (GRCh38, 1-based): chrX:101,398,422, A>G on the plus strand (T>C on the coding strand, the complement: GLA is on the minus strand). VCF-style: chrX-101398422-A-G. GRCh37 (hg19) VCF-style: chrX-100653410-A-G.
Other names: c.1070T>C, p.Val357Ala (NM_001406747.1); c.947T>C, p.Val316Ala (NM_001406748.1); c.300+2965A>G (NM_001199973.2); c.177+6600A>G (NM_001199974.2); short protein forms V316A, V357A.
Identifiers: ClinVar variation 217404 (VCV000217404.7), dbSNP rs869312157, ClinGen allele CA353055.